The following is an entry in ClinVar:

NM_139027.6(ADAMTS13):c.890C>T (p.Pro297Leu)

Gene: ADAMTS13 (ADAM metallopeptidase with thrombospondin type 1 motif 13; plus strand). Cytogenetic location: 9q34.2.
Variant type: single nucleotide variant.
Coding change: c.890C>T on transcript NM_139027.6 (MANE Select); coding-DNA position 890, C replaced by T.
Protein change: p.Pro297Leu; replaces proline 297 with leucine.
Molecular consequence: missense variant. On other transcripts: intron variant (1).
Genome position (GRCh38, 1-based): chr9:133,430,004, C>T. VCF-style: chr9-133430004-C-T. GRCh37 (hg19) VCF-style: chr9-136295124-C-T.
Other names: c.890C>T, p.Pro297Leu (NM_139025.5); c.825-28C>T (NM_139026.6); short protein forms P297L.
Identifiers: ClinVar variation 2791042 (VCV002791042.2), dbSNP rs782001479, ClinGen allele CA200924755.
Genomic context (GRCh38, chr9:133,430,004, plus strand): 5'-GACGGGCGCGCTGCGTGTGGGACCCGCCGCGGCCTCAACCCGGGTCCGCGGGGCACCCGC[C>T]GGATGCGCAGCCTGGCCTCTACTACAGCGCCAACGAGCAGTGCCGCGTGGCCTTCGGCCC-3'
Protein context (NP_620596.2, residues 287-307): RPQPGSAGHP[Pro297Leu]DAQPGLYYSA

ClinVar aggregate classification (germline): Uncertain significance. Review status: criteria provided, multiple submitters, no conflicts (2 of 4 stars). 2 submissions from 2 submitters: Uncertain significance (2). Last evaluated 2024-05-29.

Conditions:
Upshaw-Schulman syndrome (TTP). Also called: THROMBOTIC THROMBOCYTOPENIC PURPURA, HEREDITARY; Congenital thrombotic thrombocytopenic purpura. Identifiers: Orphanet 93583, MedGen C1268935, MONDO:0010122, OMIM 274150.

Allele frequency attached by ClinVar (database versions not stated): TOPMed 0.00003; ExAC 0.00004.
gnomAD v4.1: 7 of 1,572,590 alleles (0.00045%); highest among the groups gnomAD compares: African/African-American, 0.0081%; no homozygotes.

Submissions (2):

Fulgent Genetics
Classification: Uncertain significance for Upshaw-Schulman syndrome. Last evaluated: 2024-05-29. Review status: criteria provided, single submitter. Criteria: ACMG Guidelines, 2015. Collection method: clinical testing. Allele origin: germline.

Labcorp Genetics (formerly Invitae), Labcorp
Classification: Uncertain significance. Last evaluated: 2023-01-03. Review status: criteria provided, single submitter. Criteria: Invitae Variant Classification Sherloc (09022015). Collection method: clinical testing. Allele origin: germline.
Comment: In summary, the available evidence is currently insufficient to determine the role of this variant in disease. Therefore, it has been classified as a Variant of Uncertain Significance. Advanced modeling of protein sequence and biophysical properties (such as structural, functional, and spatial information, amino acid conservation, physicochemical variation, residue mobility, and thermodynamic stability) performed at Invitae indicates that this missense variant is not expected to disrupt ADAMTS13 protein function. This variant has not been reported in the literature in individuals affected with ADAMTS13-related conditions. The frequency data for this variant in the population databases is considered unreliable, as metrics indicate poor data quality at this position in the gnomAD database. This sequence change replaces proline, which is neutral and non-polar, with leucine, which is neutral and non-polar, at codon 297 of the ADAMTS13 protein (p.Pro297Leu).